The following is an entry in ClinVar:

NM_003000.3(SDHB):c.92C>T (p.Thr31Ile)

Gene: SDHB (succinate dehydrogenase complex iron sulfur subunit B; minus strand). Cytogenetic location: 1p36.13.
Variant type: single nucleotide variant.
Coding change: c.92C>T on transcript NM_003000.3 (MANE Select); coding-DNA position 92, C replaced by T.
Protein change: p.Thr31Ile; replaces threonine 31 with isoleucine.
Molecular consequence: missense variant.
Genome position (GRCh38, 1-based): chr1:17,044,869, G>A on the plus strand (C>T on the coding strand, the complement: SDHB is on the minus strand). VCF-style: chr1-17044869-G-A. GRCh37 (hg19) VCF-style: chr1-17371364-G-A.
Other names: short protein forms T31I.
Identifiers: ClinVar variation 459176 (VCV000459176.9), dbSNP rs1553178750, ClinGen allele CA338228350.
Genomic context (GRCh38, chr1:17,044,869, plus strand): 5'-TTGTCTGGGTCCCATCGATAGATGGCAAATTTCTTGATACGGGGAGCTGTGGCTGCAGCT[G>A]TCTGGGCTCCTCGGGAGGCCTGAAATTTTTTAAAGTTCACAAAAAGGAAAAAAAAATTAG-3'
Protein context (NP_002991.2, residues 21-41): ACLQASRGAQ[Thr31Ile]AAATAPRIKK

ClinVar aggregate classification (germline): Uncertain significance. Review status: criteria provided, multiple submitters, no conflicts (2 of 4 stars). 3 submissions from 3 submitters: Uncertain significance (3). Last evaluated 2025-11-10.

Conditions:
Hereditary pheochromocytoma and paraganglioma. Also called: Hereditary Paraganglioma-Pheochromocytoma Syndromes; Hereditary paragangliomas and pheochromocytomas; Hereditary pheochromocytoma-paraganglioma. Identifiers: Orphanet 29072, MedGen C4274332, MONDO:0017366.
Pheochromocytoma. Also called: MAX-Related Hereditary Paraganglioma-Pheochromocytoma Syndrome. Identifiers: Orphanet 29072, MedGen C0031511, MONDO:0008233, OMIM 171300, HP:0002666.
Pheochromocytoma/paraganglioma syndrome 4. Also called: SDHB-Related Hereditary Paraganglioma-Pheochromocytoma Syndrome (Paragangliomas 4); CAROTID BODY TUMORS AND MULTIPLE EXTRAADRENAL PHEOCHROMOCYTOMAS; PARAGANGLIOMA, FAMILIAL MALIGNANT; PARAGANGLIOMAS, HEREDITARY EXTRAADRENAL; SDHB-Related Hereditary Paraganglioma-Pheochromocytoma Syndrome; PHEOCHROMOCYTOMA, FAMILIAL EXTRAADRENAL. Identifiers: Orphanet 29072, MedGen C1861848, MONDO:0007273, OMIM 115310.
Gastrointestinal stromal tumor. Also called: Gastrointestinal stroma tumor; Gastrointestinal stromal tumor, somatic. Identifiers: Orphanet 44890, MedGen C0238198, MeSH D046152, MONDO:0011719, OMIM 606764, HP:0100723.
Hereditary cancer-predisposing syndrome. Also called: Tumor predisposition; Hereditary neoplastic syndrome; Neoplastic Syndromes, Hereditary; Hereditary Cancer Syndrome. Identifiers: Orphanet 140162, MedGen C0027672, MeSH D009386, MONDO:0015356.

Allele frequency attached by ClinVar (database versions not stated): TOPMed below 0.00001.

Submissions (3):

Labcorp Genetics (formerly Invitae), Labcorp
Classification: Uncertain significance for Gastrointestinal stromal tumor; Pheochromocytoma/paraganglioma syndrome 4; Pheochromocytoma. Last evaluated: 2025-11-10. Review status: criteria provided, single submitter. Criteria: Invitae Variant Classification Sherloc (09022015). Collection method: clinical testing. Allele origin: germline.
Comment: This sequence change replaces threonine, which is neutral and polar, with isoleucine, which is neutral and non-polar, at codon 31 of the SDHB protein (p.Thr31Ile). This variant is not present in population databases (gnomAD no frequency). This variant has not been reported in the literature in individuals affected with SDHB-related conditions. ClinVar contains an entry for this variant (Variation ID: 459176). Invitae Evidence Modeling of protein sequence and biophysical properties (such as structural, functional, and spatial information, amino acid conservation, physicochemical variation, residue mobility, and thermodynamic stability) indicates that this missense variant is not expected to disrupt SDHB protein function with a negative predictive value of 95%. In summary, the available evidence is currently insufficient to determine the role of this variant in disease. Therefore, it has been classified as a Variant of Uncertain Significance.

Ambry Genetics
Classification: Uncertain significance for Hereditary cancer-predisposing syndrome. Last evaluated: 2024-04-11. Review status: criteria provided, single submitter. Criteria: Ambry Variant Classification Scheme 2023. Collection method: clinical testing. Allele origin: germline.
Comment: The p.T31I variant (also known as c.92C>T), located in coding exon 2 of the SDHB gene, results from a C to T substitution at nucleotide position 92. The threonine at codon 31 is replaced by isoleucine, an amino acid with similar properties. This amino acid position is highly conserved in available vertebrate species. In addition, the in silico prediction for this alteration is inconclusive. Since supporting evidence is limited at this time, the clinical significance of this alteration remains unclear.

All of Us Research Program, National Institutes of Health
Classification: Uncertain significance for Hereditary pheochromocytoma and paraganglioma. Last evaluated: 2023-12-13. Review status: criteria provided, single submitter. Criteria: ACMG Guidelines, 2015. Collection method: clinical testing. Allele origin: germline. Inheritance: Autosomal dominant inheritance. Observed: 1 variant allele, 1 heterozygote.
Comment: This missense variant replaces threonine with isoleucine at codon 31 of the SDHB protein. Computational prediction suggests that this variant may not impact protein structure and function (internally defined REVEL score threshold <= 0.5, PMID: 27666373). To our knowledge, functional studies have not been reported for this variant. This variant has not been reported in individuals affected with SDHB-related disorders in the literature. This variant has not been identified in the general population by the Genome Aggregation Database (gnomAD). The available evidence is insufficient to determine the role of this variant in disease conclusively. Therefore, this variant is classified as a Variant of Uncertain Significance.

This study involves interpretation of variants in research participants for the purpose of population health screening. Participant phenotype was not available at the time of variant classification. Additional details can be found in publication PMID: 35346344, PMCID: PMC8962531